The following is an entry in ClinVar:

NM_000138.5(FBN1):c.4064T>A (p.Ile1355Asn)

Gene: FBN1 (fibrillin 1; minus strand). Cytogenetic location: 15q21.1.
Variant type: single nucleotide variant.
Coding change: c.4064T>A on transcript NM_000138.5 (MANE Select); coding-DNA position 4064, T replaced by A.
Protein change: p.Ile1355Asn; replaces isoleucine 1355 with asparagine.
Molecular consequence: missense variant.
Genome position (GRCh38, 1-based): chr15:48,474,551, A>T on the plus strand (T>A on the coding strand, the complement: FBN1 is on the minus strand). VCF-style: chr15-48474551-A-T. GRCh37 (hg19) VCF-style: chr15-48766748-A-T.
Other names: c.4064T>A, p.Ile1355Asn (NM_001406716.1); short protein forms I1355N.
Identifiers: ClinVar variation 3386810 (VCV003386810.1).

ClinVar aggregate classification (germline): Uncertain significance (1 of 4 stars; one submission).

Conditions:
Marfan syndrome (MFS). Also called: MARFAN SYNDROME, TYPE I; Marfan syndrome type 1; Marfan's syndrome; FBN1-Related Marfan Syndrome; Marfan syndrome, classic. Identifiers: Orphanet 284963, Orphanet 558, MedGen C0024796, MONDO:0007947, OMIM 154700.

Submission:

All of Us Research Program, National Institutes of Health
Classification: Uncertain significance for Marfan syndrome. Last evaluated: 2024-08-06. Review status: criteria provided, single submitter. Criteria: ACMG Guidelines, 2015. Collection method: clinical testing. Allele origin: germline. Inheritance: Autosomal dominant inheritance. Observed: 1 variant allele, 1 heterozygote.
Comment: This study involves interpretation of variants in research participants for the purpose of population health screening. Participant phenotype was not available at the time of variant classification. Additional details can be found in publication PMID: 35346344, PMCID: PMC8962531